The following is an entry in ClinVar:

ClinVar aggregate classification (germline): Uncertain significance. Review status: criteria provided, multiple submitters, no conflicts (2 of 4 stars). 2 submissions from 2 submitters: Uncertain significance (2). Last evaluated 2023-11-18.

Allele frequency attached by ClinVar (database versions not stated): gnomAD exomes below 0.00001.
gnomAD v4.1: 2 of 1,576,610 alleles (0.00013%); highest among the groups gnomAD compares: Non-Finnish European, 0.00017%; no homozygotes.

Submissions (2):

Labcorp Genetics (formerly Invitae), Labcorp
Classification: Uncertain significance. Last evaluated: 2023-11-18. Review status: criteria provided, single submitter. Criteria: Invitae Variant Classification Sherloc (09022015). Collection method: clinical testing. Allele origin: germline.
Comment: This sequence change replaces isoleucine, which is neutral and non-polar, with phenylalanine, which is neutral and non-polar, at codon 121 of the ITPR1 protein (p.Ile121Phe). This variant is not present in population databases (gnomAD no frequency). This variant has not been reported in the literature in individuals affected with ITPR1-related conditions. ClinVar contains an entry for this variant (Variation ID: 447585). Advanced modeling of protein sequence and biophysical properties (such as structural, functional, and spatial information, amino acid conservation, physicochemical variation, residue mobility, and thermodynamic stability) has been performed at Invitae for this missense variant, however the output from this modeling did not meet the statistical confidence thresholds required to predict the impact of this variant on ITPR1 protein function. In summary, the available evidence is currently insufficient to determine the role of this variant in disease. Therefore, it has been classified as a Variant of Uncertain Significance.

Athena Diagnostics
Classification: Uncertain significance. Last evaluated: 2016-10-06. Review status: criteria provided, single submitter. Criteria: Athena Diagnostics Criteria. Collection method: clinical testing. Allele origin: germline.

NM_001378452.1(ITPR1):c.361A>T (p.Ile121Phe)

Gene: ITPR1 (inositol 1,4,5-trisphosphate receptor type 1; plus strand). Cytogenetic location: 3p26.1.
Variant type: single nucleotide variant.
Coding change: c.361A>T on transcript NM_001378452.1 (MANE Select); coding-DNA position 361, A replaced by T.
Protein change: p.Ile121Phe; replaces isoleucine 121 with phenylalanine.
Molecular consequence: missense variant.
Genome position (GRCh38, 1-based): chr3:4,639,465, A>T. VCF-style: chr3-4639465-A-T. GRCh37 (hg19) VCF-style: chr3-4681149-A-T.
Other names: c.361A>T, p.Ile121Phe (NM_002222.7, NM_001099952.4, NM_001168272.2); short protein forms I121F.
Identifiers: ClinVar variation 447585 (VCV000447585.4), dbSNP rs532037891, ClinGen allele CA351633775.